The following is an entry in ClinVar:

NM_014714.4(IFT140):c.2109C>T (p.His703=)

Gene: IFT140 (intraflagellar transport 140; minus strand). Cytogenetic location: 16p13.3.
Variant type: single nucleotide variant.
Coding change: c.2109C>T on transcript NM_014714.4 (MANE Select); coding-DNA position 2109, C replaced by T.
Protein change: p.His703=; no amino-acid change (histidine 703 retained).
Molecular consequence: synonymous variant.
Genome position (GRCh38, 1-based): chr16:1,562,075, G>A on the plus strand (C>T on the coding strand, the complement: IFT140 is on the minus strand). VCF-style: chr16-1562075-G-A. GRCh37 (hg19) VCF-style: chr16-1612076-G-A.
Identifiers: ClinVar variation 760219 (VCV000760219.12), dbSNP rs375957506, ClinGen allele CA7814002.

ClinVar aggregate classification (germline): Likely benign. Review status: criteria provided, multiple submitters, no conflicts (2 of 4 stars). 3 submissions from 3 submitters: Likely benign (2). 1 of the submissions does not count toward it. Last evaluated 2025-11-05.

Conditions:
IFT140-related disorder. Also called: IFT140-related condition.
Saldino-Mainzer syndrome (SRTD9). Also called: CONORENAL SYNDROME; short-rib thoracic dysplasia 9 with or without polydactyly; Renal dysplasia, retinal pigmentary dystrophy, cerebellar ataxia and skeletal dysplasia; SHORT-RIB THORACIC DYSPLASIA 9 WITHOUT POLYDACTYLY. Identifiers: Orphanet 140969, MedGen C1849437, MONDO:0009964, OMIM 266920.

Allele frequency attached by ClinVar (database versions not stated): gnomAD 0.00002 and 0.00003; TOPMed 0.00004; ExAC 0.00001; gnomAD exomes 0.00001; ESP Exome Variant Server 0.00008.
gnomAD v4.1: 15 of 1,611,534 alleles (0.00093%); highest among the groups gnomAD compares: African/African-American, 0.0067%; no homozygotes.

Submissions (3):

Labcorp Genetics (formerly Invitae), Labcorp
Classification: Likely benign for Saldino-Mainzer syndrome. Last evaluated: 2025-11-05. Review status: criteria provided, single submitter. Criteria: Invitae Variant Classification Sherloc (09022015). Collection method: clinical testing. Allele origin: germline.

Blueprint Genetics
Classification: Likely benign. Last evaluated: 2024-07-12. Review status: criteria provided, single submitter. Criteria: ACMG Guidelines, 2015. Collection method: clinical testing. Allele origin: germline.

PreventionGenetics, part of Exact Sciences
Classification: Likely benign for IFT140-related condition. Last evaluated: 2024-08-29. Review status: no assertion criteria provided. Collection method: clinical testing. Allele origin: germline. Not counted in ClinVar's aggregate classification.
Comment: This variant is classified as likely benign based on ACMG/AMP sequence variant interpretation guidelines (Richards et al. 2015 PMID: 25741868, with internal and published modifications).